The following is an entry in ClinVar:

NM_005631.5(SMO):c.2060C>T (p.Pro687Leu)

Gene: SMO (smoothened, frizzled class receptor; plus strand). Cytogenetic location: 7q32.1.
Variant type: single nucleotide variant.
Coding change: c.2060C>T on transcript NM_005631.5 (MANE Select); coding-DNA position 2060, C replaced by T.
Protein change: p.Pro687Leu; replaces proline 687 with leucine.
Molecular consequence: missense variant.
Genome position (GRCh38, 1-based): chr7:129,212,147, C>T. VCF-style: chr7-129212147-C-T. GRCh37 (hg19) VCF-style: chr7-128851988-C-T.
Other names: c.2060C>T, p.Pro687Leu (LRG_1393t1); short protein forms P687L.
Identifiers: ClinVar variation 135259 (VCV000135259.18), dbSNP rs55722779, ClinGen allele CA162164.

ClinVar aggregate classification (germline): Benign/Likely benign. Review status: criteria provided, multiple submitters, no conflicts (2 of 4 stars). 4 submissions from 4 submitters: Benign (2); Likely benign (1). 1 of the submissions does not count toward it. Last evaluated 2024-12-01.

Allele frequency attached by ClinVar (database versions not stated): gnomAD exomes 0.00023 and 0.00055; ExAC 0.00116; gnomAD 0.00208 and 0.00222; 1000 Genomes Project 30x 0.00234; 1000 Genomes Project 0.00240; TOPMed 0.00283; ESP Exome Variant Server 0.00313.
gnomAD v4.1: 657 of 1,557,082 alleles (0.042%); highest among the groups gnomAD compares: African/African-American, 0.77%; 2 homozygotes.

Submissions (4):

CeGaT Center for Human Genetics Tuebingen
Classification: Likely benign. Last evaluated: 2024-12-01. Review status: criteria provided, single submitter. Criteria: CeGaT Center For Human Genetics Tuebingen Variant Classification Criteria Version 2. Collection method: clinical testing. Allele origin: germline. Affected: yes. Observed: 1 variant allele.
Comment: SMO: BP4, BS2

Labcorp Genetics (formerly Invitae), Labcorp
Classification: Benign. Last evaluated: 2018-06-29. Review status: criteria provided, single submitter. Criteria: Invitae Variant Classification Sherloc (09022015). Collection method: clinical testing. Allele origin: germline.

Breakthrough Genomics
Classification: Benign. Review status: criteria provided, single submitter. Criteria: ACMG Guidelines, 2015. Collection method: not provided. Allele origin: germline. Inheritance: Autosomal recessive inheritance. Affected: yes.

ITMI
No classification provided. Condition: AllHighlyPenetrant. Last evaluated: 2013-09-19. Review status: no classification provided. Collection method: reference population. Allele origin: germline. Not counted in ClinVar's aggregate classification.
Comment: Please see associated publication for description of ethnicities

Literature cited by the submitters: PubMed 24728327 (cited by ITMI).